The following is an entry in ClinVar:

ClinVar aggregate classification (germline): Uncertain significance (1 of 4 stars; one submission).

Conditions:
Congenital contractural arachnodactyly (CCA). Also called: BEALS SYNDROME; Arthrogryposis, distal, type 9; Beals-Hecht syndrome. Identifiers: Orphanet 115, MedGen C0220668, MONDO:0007363, OMIM 121050.

Submission:

Labcorp Genetics (formerly Invitae), Labcorp
Classification: Uncertain significance for Congenital contractural arachnodactyly. Last evaluated: 2022-05-18. Review status: criteria provided, single submitter. Criteria: Invitae Variant Classification Sherloc (09022015). Collection method: clinical testing. Allele origin: germline.
Comment: This sequence change replaces tryptophan, which is neutral and slightly polar, with glycine, which is neutral and non-polar, at codon 928 of the FBN2 protein (p.Trp928Gly). This variant is not present in population databases (gnomAD no frequency). This variant has not been reported in the literature in individuals affected with FBN2-related conditions. Advanced modeling of protein sequence and biophysical properties (such as structural, functional, and spatial information, amino acid conservation, physicochemical variation, residue mobility, and thermodynamic stability) performed at Invitae indicates that this missense variant is expected to disrupt FBN2 protein function. In summary, the available evidence is currently insufficient to determine the role of this variant in disease. Therefore, it has been classified as a Variant of Uncertain Significance.

NM_001999.4(FBN2):c.2782T>G (p.Trp928Gly)

Gene: FBN2 (fibrillin 2; minus strand). Cytogenetic location: 5q23.3.
Variant type: single nucleotide variant.
Coding change: c.2782T>G on transcript NM_001999.4 (MANE Select); coding-DNA position 2782, T replaced by G.
Protein change: p.Trp928Gly; replaces tryptophan 928 with glycine.
Molecular consequence: missense variant.
Genome position (GRCh38, 1-based): chr5:128,350,898, A>C on the plus strand (T>G on the coding strand, the complement: FBN2 is on the minus strand). VCF-style: chr5-128350898-A-C. GRCh37 (hg19) VCF-style: chr5-127686590-A-C.
Other names: short protein forms W928G.
Identifiers: ClinVar variation 1996221 (VCV001996221.4), dbSNP rs2479308662, ClinGen allele CA360766125.
Genomic context (GRCh38, chr5:128,350,898, plus strand): 5'-AAGCCCAGAAGCTCCCAATAAGGCTCCTACCTAGTTCACACCGCTCACAGGGGCTCCCCC[A>C]GGCGGCTCCGAGGGTGGCACAGCATTCAGATTTCAGAGTGGCTCCATTAATATTCACCTC-3'
Protein context (NP_001990.2, residues 918-938): SECCATLGAA[Trp928Gly]GSPCERCELD